The following is an entry in ClinVar:

ClinVar aggregate classification (germline): Uncertain significance (1 of 4 stars; one submission).

Submission:

GeneDx
Classification: Uncertain significance. Last evaluated: 2023-12-16. Review status: criteria provided, single submitter. Criteria: GeneDx Variant Classification Process June 2021. Collection method: clinical testing. Allele origin: germline. Affected: yes.
Comment: Not observed at significant frequency in large population cohorts (gnomAD); In silico analysis supports that this missense variant does not alter protein structure/function; Has not been previously published as pathogenic or benign to our knowledge

NM_018896.5(CACNA1G):c.7024G>A (p.Asp2342Asn)

Gene: CACNA1G (calcium voltage-gated channel subunit alpha1 G; plus strand). Cytogenetic location: 17q21.33.
Variant type: single nucleotide variant.
Coding change: c.7024G>A on transcript NM_018896.5 (MANE Select); coding-DNA position 7024, G replaced by A.
Protein change: p.Asp2342Asn; replaces aspartic acid 2342 with asparagine.
Molecular consequence: missense variant. On other transcripts: non-coding transcript variant (5).
Genome position (GRCh38, 1-based): chr17:50,626,641, G>A. VCF-style: chr17-50626641-G-A. GRCh37 (hg19) VCF-style: chr17-48704002-G-A.
Other names: c.6754G>A, p.Asp2252Asn (NM_001256326.2); c.6724G>A, p.Asp2242Asn (NM_001256327.2); c.6835G>A, p.Asp2279Asn (NM_001256324.2); c.6766G>A, p.Asp2256Asn (NM_001256325.2); c.6670G>A, p.Asp2224Asn (NM_001256328.2); c.6643G>A, p.Asp2215Asn (NM_001256329.2, NM_198387.3); c.6991G>A, p.Asp2331Asn (NM_198377.3); c.6712G>A, p.Asp2238Asn (NM_198378.3); and 18 more; short protein forms D2136N, D2159N, D2170N, D2192N, D2197N, D2204N, D2208N, D2211N.
Identifiers: ClinVar variation 3365970 (VCV003365970.1).